The following is an entry in ClinVar:

ClinVar aggregate classification (germline): Uncertain significance. Review status: criteria provided, multiple submitters, no conflicts (2 of 4 stars). 4 submissions from 4 submitters: Uncertain significance (3). 1 of the submissions does not count toward it. Last evaluated 2025-10-24.

Conditions:
Inborn genetic diseases. Identifiers: MedGen C0950123, MeSH D030342.
Facioscapulohumeral muscular dystrophy 2 (FSHD2). Also called: MUSCULAR DYSTROPHY, FACIOSCAPULOHUMERAL, TYPE 1B; FACIOSCAPULOHUMERAL MUSCULAR DYSTROPHY 2, DIGENIC; FSHD2, DIGENIC. Identifiers: Orphanet 269, MedGen C1834671, MONDO:0008031, OMIM 158901.

Allele frequency attached by ClinVar (database versions not stated): gnomAD 0.00001; ExAC 0.00002; gnomAD exomes 0.00002; TOPMed 0.00004.
gnomAD v4.1: 23 of 1,613,372 alleles (0.0014%); highest among the groups gnomAD compares: African/African-American, 0.004%; no homozygotes.

Submissions (4):

Labcorp Genetics (formerly Invitae), Labcorp
Classification: Uncertain significance for Facioscapulohumeral muscular dystrophy 2. Last evaluated: 2025-10-24. Review status: criteria provided, single submitter. Criteria: Invitae Variant Classification Sherloc (09022015). Collection method: clinical testing. Allele origin: germline.
Comment: This sequence change replaces arginine, which is basic and polar, with histidine, which is basic and polar, at codon 1506 of the SMCHD1 protein (p.Arg1506His). This variant is present in population databases (rs756166672, gnomAD 0.007%). This variant has not been reported in the literature in individuals affected with SMCHD1-related conditions. ClinVar contains an entry for this variant (Variation ID: 964028). Invitae Evidence Modeling of protein sequence and biophysical properties (such as structural, functional, and spatial information, amino acid conservation, physicochemical variation, residue mobility, and thermodynamic stability) indicates that this missense variant is not expected to disrupt SMCHD1 protein function with a negative predictive value of 80%. In summary, the available evidence is currently insufficient to determine the role of this variant in disease. Therefore, it has been classified as a Variant of Uncertain Significance.

Ambry Genetics
Classification: Uncertain significance for Inborn genetic diseases. Last evaluated: 2025-08-11. Review status: criteria provided, single submitter. Criteria: Ambry Variant Classification Scheme 2023. Collection method: clinical testing. Allele origin: germline.

Revvity Omics, Revvity
Classification: Uncertain significance. Last evaluated: 2023-05-29. Review status: criteria provided, single submitter. Criteria: ACMG Guidelines, 2015. Collection method: clinical testing. Allele origin: germline.

Institute of Human Genetics, University of Wuerzburg
Classification: Uncertain significance for Facioscapulohumeral muscular dystrophy 2. Review status: no assertion criteria provided. Collection method: clinical testing. Allele origin: unknown. Affected: yes. Observed: 1 variant allele. Not counted in ClinVar's aggregate classification.

NM_015295.3(SMCHD1):c.4517G>A (p.Arg1506His)

Gene: SMCHD1 (structural maintenance of chromosomes flexible hinge domain containing 1; plus strand). Cytogenetic location: 18p11.32.
Variant type: single nucleotide variant.
Coding change: c.4517G>A on transcript NM_015295.3 (MANE Select); coding-DNA position 4517, G replaced by A.
Protein change: p.Arg1506His; replaces arginine 1506 with histidine.
Molecular consequence: missense variant.
Genome position (GRCh38, 1-based): chr18:2,762,187, G>A. VCF-style: chr18-2762187-G-A. GRCh37 (hg19) VCF-style: chr18-2762185-G-A.
Other names: short protein forms R1506H.
Identifiers: ClinVar variation 964028 (VCV000964028.9), dbSNP rs756166672, ClinGen allele CA8871498.